The following is an entry in ClinVar:

NM_005901.6(SMAD2):c.908C>T (p.Thr303Ile)

Gene: SMAD2 (SMAD family member 2; minus strand). Cytogenetic location: 18q21.1.
Variant type: single nucleotide variant.
Coding change: c.908C>T on transcript NM_005901.6 (MANE Select); coding-DNA position 908, C replaced by T.
Protein change: p.Thr303Ile; replaces threonine 303 with isoleucine.
Molecular consequence: missense variant.
Genome position (GRCh38, 1-based): chr18:47,848,564, G>A on the plus strand (C>T on the coding strand, the complement: SMAD2 is on the minus strand). VCF-style: chr18-47848564-G-A. GRCh37 (hg19) VCF-style: chr18-45374935-G-A.
Other names: c.908C>T, p.Thr303Ile (NM_001003652.4); c.818C>T, p.Thr273Ile (NM_001135937.3); short protein forms T273I, T303I.
Identifiers: ClinVar variation 1313747 (VCV001313747.2), dbSNP rs2144300077, ClinGen allele CA402504428.
Genomic context (GRCh38, chr18:47,848,564, plus strand): 5'-GCATTTCGGTTAACATTGGAGAGTAAACCTAAGCAGAACCTCTCTGAATTTGATGGGTCT[G>A]TAAAGCCATCTACAGTGAGTGAGGGCTGTGATGCATGGAAGGTTTCTCCAACCCTCTGAT-3'
Protein context (NP_005892.1, residues 293-313): SQPSLTVDGF[Thr303Ile]DPSNSERFCL

ClinVar aggregate classification (germline): Uncertain significance (1 of 4 stars; one submission).

Submission:

GeneDx
Classification: Uncertain significance. Last evaluated: 2020-12-23. Review status: criteria provided, single submitter. Criteria: GeneDx Variant Classification Process June 2021. Collection method: clinical testing. Allele origin: germline. Affected: yes.
Comment: Has not been previously published as pathogenic or benign to our knowledge; Not observed in large population cohorts (Lek et al., 2016); In silico analysis supports that this missense variant has a deleterious effect on protein structure/function